The following is an entry in ClinVar:

ClinVar aggregate classification (germline): Pathogenic. Review status: reviewed by expert panel (3 of 4 stars). 11 submissions from 10 submitters: Pathogenic (1). 10 of the submissions do not count toward it. Last evaluated 2021-10-01.

Conditions:
Fetomaternal alloimmune thrombocytopenia 1. Also called: Platelet groups--pl(e) system. Identifiers: MedGen CN379742, MONDO:0980723, OMIM 621264.
Bleeding disorder, platelet-type, 24. Also called: GLANZMANN THROMBASTHENIA-LIKE WITH MACROTHROMBOCYTOPENIA 2. Identifiers: MedGen C5543280, MONDO:0030996, OMIM 619271.
Glanzmann thrombasthenia 2. Also called: BLEEDING DISORDER, PLATELET-TYPE, 23. Identifiers: MedGen C5543273, MONDO:0031009, OMIM 619267.
Myocardial infarction, susceptibility to. Identifiers: MedGen C1832662, MONDO:0012039, OMIM 608446.
Glanzmann thrombasthenia 1 (GT1). Also called: GP IIb-IIIa COMPLEX DEFICIENCY; GLYCOPROTEIN COMPLEX IIb-IIIa DEFICIENCY; PLATELET FIBRINOGEN RECEPTOR DEFICIENCY; BLEEDING DISORDER, PLATELET-TYPE, 2. Identifiers: MedGen CN300358, MONDO:0031332, OMIM 273800.
Platelet-type bleeding disorder 16 (BDPLT16). Also called: Bleeding disorder, platelet-type, 16, autosomal dominant. Identifiers: Orphanet 140957, MedGen C5442010, MONDO:0008552, OMIM 187800.
Hyper-IgE recurrent infection syndrome 1, autosomal dominant. Also called: STAT3 Hyper IgE Syndrome; Hyper-IgE recurrent infection syndrome 1; JOB SYNDROME; Job's Syndrome; HYPER-IgE SYNDROME 1, AUTOSOMAL DOMINANT, WITH RECURRENT INFECTIONS. Identifiers: Orphanet 2314, MedGen C2936739, MONDO:0007818, OMIM 147060.
Glanzmann thrombasthenia. Also called: Glanzmann's thrombasthenia; THROMBASTHENIA OF GLANZMANN AND NAEGELI; PLATELET GLYCOPROTEIN IIb-IIIa DEFICIENCY; Thrombasthenia. Identifiers: Orphanet 849, MedGen C0040015, MONDO:0100326.

Allele frequency attached by ClinVar (database versions not stated): gnomAD exomes 0.00002 and 0.00004; gnomAD 0.00015 and 0.00016; 1000 Genomes Project 0.00020; 1000 Genomes Project 30x 0.00031; ExAC 0.00005; TOPMed 0.00010.
gnomAD v4.1: 47 of 1,614,112 alleles (0.0029%); highest among the groups gnomAD compares: African/African-American, 0.048%; no homozygotes.

Submissions (11):

ClinGen Platelet Disorders Variant Curation Expert Panel, ClinGen
Classification: Pathogenic for Glanzmann thrombasthenia. Last evaluated: 2021-10-01. Review status: reviewed by expert panel. Criteria: ClinGen Platelet ACMG Specifications v2. Collection method: curation. Allele origin: germline. Inheritance: Autosomal recessive inheritance.
Comment: The NM_000212.2:c.2248C>T variant is a nonsense variant that results in premature termination of translation; however, NMD is not predicted. The variant is reported at a frequency of 0.0006008 in gnomAD v2.1.1 in the African population and does not meet PM2 or BS1 (PM2 threshold: <0.0001; BS1 threshold >0.00158). The variant is observed in one homozygous and 3 compound heterozygous individuals in the literature and from internal laboratory data (PMID: 20106508, 9351872, 30138987); however, evidence from the in-trans variatns is not applicable as Arg750Ter does not meet PM2. Functional evidence from PMID: 9351872 shows that the variant-expressing CHO cells bind fibrinogen but fail to spread on fibrinogen-coated surface. In summary, the Arg750Ter variant is classified as pathogenic. GT-specific criteria applied: PVS1_Strong, PP4_Strong.

Women's Health and Genetics/Laboratory Corporation of America, LabCorp
Classification: Pathogenic for Glanzmann thrombasthenia 2. Last evaluated: 2026-06-18. Review status: criteria provided, single submitter. Criteria: LabCorp Variant Classification Summary - May 2015. Collection method: clinical testing. Allele origin: germline. Not counted in ClinVar's aggregate classification.
Comment: Variant summary: ITGB3 c.2248C>T (p.Arg750X) results in a premature termination codon, predicted to cause a truncation of the encoded protein or absence of the protein due to nonsense mediated decay, which are commonly known mechanisms for disease. The variant allele was found at a frequency of 4.4e-05 in 251438 control chromosomes. This frequency is not significantly higher than estimated for disease-causing variants in ITGB3, allowing no conclusion about variant significance. c.2248C>T has been observed in at least one homozygous individual(s) affected with ITGB3-related conditions (Bagoly_2010). These data indicate that the variant may be associated with disease. At least one publication reports experimental evidence evaluating an impact on protein function. The most pronounced variant effect resulted in patient-derived platelet assays showing complete loss of IIb3 ligand-binding function (Bagoly_2010). The following publication has been ascertained in the context of this evaluation (PMID: 20106508). ClinVar contains an entry for this variant (Variation ID: 13564). Based on the evidence outlined above, the variant was classified as pathogenic.

GeneDx
Classification: Pathogenic. Last evaluated: 2026-05-07. Review status: criteria provided, single submitter. Criteria: GeneDx Variant Classification Process June 2021. Collection method: clinical testing. Allele origin: germline. Not counted in ClinVar's aggregate classification.
Comment: Nonsense variant predicted to result in protein truncation in a gene for which loss of function is a known mechanism of disease; Also known as c.2268C>T, p.(R724X); This variant is associated with the following publications: (PMID: 25525159, 31589614, 9351872, 20106508, 30138987, 32089034, 36294750, 37647632, 38294750, 38895864)

Labcorp Genetics (formerly Invitae), Labcorp
Classification: Pathogenic. Last evaluated: 2025-12-15. Review status: criteria provided, single submitter. Criteria: Invitae Variant Classification Sherloc (09022015). Collection method: clinical testing. Allele origin: germline. Not counted in ClinVar's aggregate classification.
Comment: This sequence change creates a premature translational stop signal (p.Arg750*) in the ITGB3 gene. It is expected to result in an absent or disrupted protein product. Loss-of-function variants in ITGB3 are known to be pathogenic (PMID: 21917754). This variant is present in population databases (rs121918450, gnomAD 0.06%). This premature translational stop signal has been observed in individual(s) with clinical features of autosomal recessive ITGB3-related conditions (PMID: 9351872, 20106508). In at least one individual the data is consistent with being in trans (on the opposite chromosome) from a pathogenic variant. ClinVar contains an entry for this variant (Variation ID: 13564). Algorithms developed to predict the effect of variants on gene product structure and function are not available or were not evaluated for this variant. Experimental studies have shown that this premature translational stop signal affects ITGB3 function (PMID: 9351872). For these reasons, this variant has been classified as Pathogenic.

Genomic Medicine Center of Excellence, King Faisal Specialist Hospital and Research Centre
Classification: Pathogenic for Glanzmann thrombasthenia 2. Last evaluated: 2025-09-10. Review status: criteria provided, single submitter. Criteria: ACMG Guidelines, 2015. Collection method: clinical testing. Allele origin: germline. Not counted in ClinVar's aggregate classification.

Genomic Medicine Center of Excellence, King Faisal Specialist Hospital and Research Centre
Classification: Pathogenic for Hyper-IgE recurrent infection syndrome 1, autosomal dominant. Last evaluated: 2024-12-17. Review status: criteria provided, single submitter. Criteria: ACMG Guidelines, 2015. Collection method: clinical testing. Allele origin: germline. Not counted in ClinVar's aggregate classification.

Fulgent Genetics
Classification: Pathogenic for Myocardial infarction, susceptibility to; Glanzmann thrombasthenia 2; Bleeding disorder, platelet-type, 24. Last evaluated: 2024-06-04. Review status: criteria provided, single submitter. Criteria: ACMG Guidelines, 2015. Collection method: clinical testing. Allele origin: germline. Not counted in ClinVar's aggregate classification.

Baylor Genetics
Classification: Pathogenic for Platelet-type bleeding disorder 16. Last evaluated: 2018-08-10. Review status: criteria provided, single submitter. Criteria: ACMG Guidelines, 2015. Collection method: clinical testing. Allele origin: paternal. Affected: yes. Not counted in ClinVar's aggregate classification.
Comment: This variant was determined to be pathogenic according to ACMG Guidelines, 2015 [PMID:25741868].

Juno Genomics, Hangzhou Juno Genomics, Inc
Classification: Likely pathogenic for Fetomaternal alloimmune thrombocytopenia 1; Bleeding disorder, platelet-type, 24; Glanzmann thrombasthenia 2. Review status: criteria provided, single submitter. Criteria: ACMG Guidelines, 2015. Collection method: clinical testing. Allele origin: germline. Not counted in ClinVar's aggregate classification.
Comment: Null variant in a gene where loss of function (LOF) is a known mechanism of disease.;Patient's phenotype or family history is highly specific for a disease with a single genetic etiology.

OMIM
Classification: Pathogenic for GLANZMANN THROMBASTHENIA 2. Last evaluated: 1997-11-01. Review status: no assertion criteria provided. Collection method: literature only. Allele origin: germline. Not counted in ClinVar's aggregate classification.

ISTH-SSC Genomics in Thrombosis and Hemostasis, KU Leuven, Center for Molecular and Vascular Biology
Classification: Pathogenic for Glanzmann thrombasthenia 1. Review status: no assertion criteria provided. Collection method: research. Allele origin: unknown. Affected: yes. Not counted in ClinVar's aggregate classification.
Comment: Submitted to GoldVariant by Dr Karyn Mégy from NIHR Bioresource - Cambridge University, UK

Literature cited by the submitters: PubMed 20106508 (cited by Women's Health and Genetics/Laboratory Corporation of America, LabCorp and Labcorp Genetics (formerly Invitae), Labcorp); PubMed 21917754 (cited by Labcorp Genetics (formerly Invitae), Labcorp); PubMed 9351872 (cited by Labcorp Genetics (formerly Invitae), Labcorp and OMIM).

NM_000212.3(ITGB3):c.2248C>T (p.Arg750Ter)

Genes: EFCAB13-DT (EFCAB13 divergent transcript; minus strand), ITGB3 (integrin subunit beta 3; plus strand). Cytogenetic location: 17q21.32.
Variant type: single nucleotide variant.
Coding change: c.2248C>T on transcript NM_000212.3 (MANE Select); coding-DNA position 2248, C replaced by T.
Protein change: p.Arg750Ter; replaces arginine 750 with a stop codon.
Molecular consequence: nonsense.
Genome position (GRCh38, 1-based): chr17:47,307,584, C>T. VCF-style: chr17-47307584-C-T. GRCh37 (hg19) VCF-style: chr17-45384950-C-T.
Other names: R724*; c.2248C>T (NM_000212.2); short protein forms R750*.
Identifiers: ClinVar variation 13564 (VCV000013564.19), dbSNP rs121918450, ClinGen allele CA123246.